The following is an entry in ClinVar:

NM_014271.4(IL1RAPL1):c.1267A>G (p.Thr423Ala)

Gene: IL1RAPL1 (interleukin 1 receptor accessory protein like 1; plus strand). Cytogenetic location: Xp21.2.
Variant type: single nucleotide variant.
Coding change: c.1267A>G on transcript NM_014271.4 (MANE Select); coding-DNA position 1267, A replaced by G.
Protein change: p.Thr423Ala; replaces threonine 423 with alanine.
Molecular consequence: missense variant.
Genome position (GRCh38, 1-based): chrX:29,954,587, A>G. VCF-style: chrX-29954587-A-G. GRCh37 (hg19) VCF-style: chrX-29972704-A-G.
Other names: short protein forms T423A.
Identifiers: ClinVar variation 3661450 (VCV003661450.2).

ClinVar aggregate classification (germline): Uncertain significance (1 of 4 stars; one submission).

gnomAD v4.1: 1 of 1,203,915 alleles (0.000083%); highest among the groups gnomAD compares: African/African-American, 0.0017%; no homozygotes.

Submission:

Labcorp Genetics (formerly Invitae), Labcorp
Classification: Uncertain significance. Last evaluated: 2024-08-05. Review status: criteria provided, single submitter. Criteria: Invitae Variant Classification Sherloc (09022015). Collection method: clinical testing. Allele origin: germline.
Comment: This sequence change replaces threonine, which is neutral and polar, with alanine, which is neutral and non-polar, at codon 423 of the IL1RAPL1 protein (p.Thr423Ala). This variant is not present in population databases (gnomAD no frequency). This variant has not been reported in the literature in individuals affected with IL1RAPL1-related conditions. An algorithm developed to predict the effect of missense changes on protein structure and function (PolyPhen-2) suggests that this variant is likely to be tolerated. In summary, the available evidence is currently insufficient to determine the role of this variant in disease. Therefore, it has been classified as a Variant of Uncertain Significance.